The following is an entry in ClinVar:

NM_001792.5(CDH2):c.2098G>T (p.Val700Phe)

Gene: CDH2 (cadherin 2; minus strand). Cytogenetic location: 18q12.1.
Variant type: single nucleotide variant.
Coding change: c.2098G>T on transcript NM_001792.5 (MANE Select); coding-DNA position 2098, G replaced by T.
Protein change: p.Val700Phe; replaces valine 700 with phenylalanine.
Molecular consequence: missense variant.
Genome position (GRCh38, 1-based): chr18:27,985,111, C>A on the plus strand (G>T on the coding strand, the complement: CDH2 is on the minus strand). VCF-style: chr18-27985111-C-A. GRCh37 (hg19) VCF-style: chr18-25565075-C-A.
Other names: c.2005G>T, p.Val669Phe (NM_001308176.2); short protein forms V700F, V669F.
Identifiers: ClinVar variation 2535322 (VCV002535322.5), dbSNP rs1027567929, ClinGen allele CA297679419.

ClinVar aggregate classification (germline): Uncertain significance. Review status: criteria provided, multiple submitters, no conflicts (2 of 4 stars). 2 submissions from 2 submitters: Uncertain significance (2). Last evaluated 2026-06-24.

Conditions:
Inborn genetic diseases. Identifiers: MedGen C0950123, MeSH D030342.

Allele frequency attached by ClinVar (database versions not stated): TOPMed below 0.00001.
gnomAD v4.1: 11 of 1,614,062 alleles (0.00068%); highest among the groups gnomAD compares: Admixed American, 0.0033%; no homozygotes.

Submissions (2):

Ambry Genetics
Classification: Uncertain significance for Inborn genetic diseases. Last evaluated: 2026-06-24. Review status: criteria provided, single submitter. Criteria: Ambry Variant Classification Scheme 2023. Collection method: clinical testing. Allele origin: germline.

Labcorp Genetics (formerly Invitae), Labcorp
Classification: Uncertain significance. Last evaluated: 2025-09-13. Review status: criteria provided, single submitter. Criteria: Invitae Variant Classification Sherloc (09022015). Collection method: clinical testing. Allele origin: germline.
Comment: This sequence change replaces valine, which is neutral and non-polar, with phenylalanine, which is neutral and non-polar, at codon 700 of the CDH2 protein (p.Val700Phe). This variant is present in population databases (no rsID available, gnomAD 0.003%). This variant has not been reported in the literature in individuals affected with CDH2-related conditions. ClinVar contains an entry for this variant (Variation ID: 2535322). An algorithm developed to predict the effect of missense changes on protein structure and function (PolyPhen-2) suggests that this variant is likely to be disruptive. In summary, the available evidence is currently insufficient to determine the role of this variant in disease. Therefore, it has been classified as a Variant of Uncertain Significance.